The following is an entry in ClinVar:

NM_018904.3(PCDHA13):c.2802C>T (p.Thr934=)

Genes: PCDHA1 (protocadherin alpha 1; plus strand), PCDHA10 (protocadherin alpha 10; plus strand), PCDHA11 (protocadherin alpha 11; plus strand), PCDHA12 (protocadherin alpha 12; plus strand), PCDHA13 (protocadherin alpha 13; plus strand) and 12 more. Cytogenetic location: 5q31.3.
Variant type: single nucleotide variant.
Coding change: c.2802C>T on transcript NM_018904.3 (MANE Select); coding-DNA position 2802, C replaced by T.
Protein change: p.Thr934=; no amino-acid change (threonine 934 retained).
Molecular consequence: synonymous variant.
Genome position (GRCh38, 1-based): chr5:141,009,886, C>T. VCF-style: chr5-141009886-C-T. GRCh37 (hg19) VCF-style: chr5-140389471-C-T.
Other names: c.2973C>T, p.Thr991= (NM_018899.6); c.2841C>T, p.Thr947= (NM_018898.5); c.2775C>T, p.Thr925= (NM_018903.4); c.2799C>T, p.Thr933= (NM_018902.5); c.2796C>T, p.Thr932= (NM_018901.4, NM_018905.3); c.2007C>T, p.Thr669= (NM_031860.3); c.2802C>T, p.Thr934= (NM_018911.3, NM_018909.4, NM_018906.3 and 2 more transcripts); c.2763C>T, p.Thr921= (NM_018910.3); and 3 more.
Identifiers: ClinVar variation 3044886 (VCV003044886.2), dbSNP rs377373799, ClinGen allele CA3454580.

ClinVar aggregate classification (germline): Benign (0 of 4 stars; one submission).

Conditions:
PCDHA13-related disorder. Also called: PCDHA13-related condition.

Allele frequency attached by ClinVar (database versions not stated): 1000 Genomes Project 0.00260; ESP Exome Variant Server 0.00008; 1000 Genomes Project 30x 0.00234.
gnomAD v4.1: 1,444 of 1,612,840 alleles (0.09%); highest among the groups gnomAD compares: South Asian, 1.5%; 15 homozygotes.

Submission:

PreventionGenetics, part of Exact Sciences
Classification: Benign for PCDHA13-related condition. Last evaluated: 2019-06-07. Review status: no assertion criteria provided. Collection method: clinical testing. Allele origin: germline.
Comment: This variant is classified as benign based on ACMG/AMP sequence variant interpretation guidelines (Richards et al. 2015 PMID: 25741868, with internal and published modifications).